The following is an entry in ClinVar:

ClinVar aggregate classification (germline): Conflicting classifications of pathogenicity. Review status: criteria provided, conflicting classifications (1 of 4 stars). 3 submissions from 3 submitters: Uncertain significance (2); Likely benign (1). Last evaluated 2025-08-13.

Conditions:
Hereditary cancer-predisposing syndrome. Also called: Neoplastic Syndromes, Hereditary; Hereditary neoplastic syndrome; Hereditary Cancer Syndrome; Tumor predisposition. Identifiers: Orphanet 140162, MedGen C0027672, MeSH D009386, MONDO:0015356.
Tuberous sclerosis syndrome (TSC). Also called: Tuberous Sclerosis Complex; Tuberous sclerosis. Identifiers: Orphanet 805, MedGen C0041341, MONDO:0001734.
Tuberous sclerosis 2 (TSC2). Identifiers: Orphanet 805, MedGen C1860707, MONDO:0013199, OMIM 613254.

Allele frequency attached by ClinVar (database versions not stated): gnomAD 0.00001.
gnomAD v4.1: 1 of 1,611,524 alleles (0.000062%); highest among the groups gnomAD compares: Non-Finnish European, 0.000085%; no homozygotes.

Submissions (3):

Color Diagnostics, LLC DBA Color Health
Classification: Uncertain significance for Tuberous sclerosis syndrome. Last evaluated: 2025-08-13. Review status: criteria provided, single submitter. Criteria: ACMG Guidelines, 2015. Collection method: clinical testing. Allele origin: germline.
Comment: This missense variant replaces aspartic acid with alanine at codon 1677 of the TSC2 protein. Computational prediction suggests that this variant may have deleterious impact on protein structure and function. To our knowledge, functional studies have not been reported for this variant. This variant has not been reported in individuals affected with TSC2-related disorders in the literature. This variant has been identified in 2/31284 chromosomes in the general population by the Genome Aggregation Database (gnomAD). The available evidence is insufficient to determine the role of this variant in disease conclusively. Therefore, this variant is classified as a Variant of Uncertain Significance.

Labcorp Genetics (formerly Invitae), Labcorp
Classification: Likely benign for Tuberous sclerosis 2. Last evaluated: 2024-10-31. Review status: criteria provided, single submitter. Criteria: Invitae Variant Classification Sherloc (09022015). Collection method: clinical testing. Allele origin: germline.

Ambry Genetics
Classification: Uncertain significance for Hereditary cancer-predisposing syndrome. Last evaluated: 2023-12-31. Review status: criteria provided, single submitter. Criteria: Ambry Variant Classification Scheme 2023. Collection method: clinical testing. Allele origin: germline.
Comment: The p.D1677A variant (also known as c.5030A>C), located in coding exon 38 of the TSC2 gene, results from an A to C substitution at nucleotide position 5030. The aspartic acid at codon 1677 is replaced by alanine, an amino acid with dissimilar properties. This amino acid position is conserved. In addition, this alteration is predicted to be deleterious by in silico analysis. Since supporting evidence is limited at this time, the clinical significance of this alteration remains unclear.

NM_000548.5(TSC2):c.5030A>C (p.Asp1677Ala)

Gene: TSC2 (TSC complex subunit 2; plus strand). Cytogenetic location: 16p13.3.
Variant type: single nucleotide variant.
Coding change: c.5030A>C on transcript NM_000548.5 (MANE Select); coding-DNA position 5030, A replaced by C.
Protein change: p.Asp1677Ala; replaces aspartic acid 1677 with alanine.
Molecular consequence: missense variant.
Genome position (GRCh38, 1-based): chr16:2,087,903, A>C. VCF-style: chr16-2087903-A-C. GRCh37 (hg19) VCF-style: chr16-2137904-A-C.
Other names: c.4829A>C, p.Asp1610Ala (NM_001077183.3); c.4961A>C, p.Asp1654Ala (NM_001114382.3); c.4721A>C, p.Asp1574Ala (NM_001318827.2); c.4685A>C, p.Asp1562Ala (NM_001318829.2); c.4298A>C, p.Asp1433Ala (NM_001318831.2); c.4862A>C, p.Asp1621Ala (NM_001318832.2); c.4832A>C, p.Asp1611Ala (NM_001363528.2); c.4898A>C, p.Asp1633Ala (NM_001370404.1); and 1 more; short protein forms D1610A, D1621A, D1562A, D1633A, D1654A, D1677A, D1433A, D1574A.
Identifiers: ClinVar variation 947039 (VCV000947039.10), dbSNP rs1332296997, ClinGen allele CA394311303.
Genomic context (GRCh38, chr16:2,087,903, plus strand): 5'-CCTTTCTCTTGTCCGGGCAGGGCCAGTTCAACTTTGTCCACGTGATCGTCACCCCGCTGG[A>C]CTACGAGTGCAACCTGGTGTCCCTGCAGTGCAGGAAAGGTAGGGCCGGGTGGGGCCCTGC-3'
Protein context (NP_000539.2, residues 1667-1687): NFVHVIVTPL[Asp1677Ala]YECNLVSLQC